The following is an entry in ClinVar:

ClinVar aggregate classification (germline): Uncertain significance (1 of 4 stars; one submission).

gnomAD v4.1: 5 of 1,613,968 alleles (0.00031%); highest among the groups gnomAD compares: African/African-American, 0.0067%; no homozygotes.

Submission:

GeneDx
Classification: Uncertain significance. Last evaluated: 2024-10-22. Review status: criteria provided, single submitter. Criteria: GeneDx Variant Classification Process June 2021. Collection method: clinical testing. Allele origin: germline. Affected: yes.
Comment: In silico analysis indicates that this missense variant does not alter protein structure/function; Has not been previously published as pathogenic or benign to our knowledge

NM_020117.11(LARS1):c.486A>T (p.Lys162Asn)

Gene: LARS1 (leucyl-tRNA synthetase 1; minus strand). Cytogenetic location: 5q32.
Variant type: single nucleotide variant.
Coding change: c.486A>T on transcript NM_020117.11 (MANE Select); coding-DNA position 486, A replaced by T.
Protein change: p.Lys162Asn; replaces lysine 162 with asparagine.
Molecular consequence: missense variant.
Genome position (GRCh38, 1-based): chr5:146,164,418, T>A on the plus strand (A>T on the coding strand, the complement: LARS1 is on the minus strand). VCF-style: chr5-146164418-T-A. GRCh37 (hg19) VCF-style: chr5-145543981-T-A.
Other names: c.348A>T, p.Lys116Asn (NM_001317964.2); c.324A>T, p.Lys108Asn (NM_001317965.2); c.405A>T, p.Lys135Asn (NM_016460.4); short protein forms K108N, K116N, K135N, K162N.
Identifiers: ClinVar variation 3893483 (VCV003893483.1).